The following is an entry in ClinVar:

ClinVar aggregate classification (germline): Uncertain significance (1 of 4 stars; one submission).

Allele frequency attached by ClinVar (database versions not stated): gnomAD exomes below 0.00001.
gnomAD v4.1: 1 of 1,566,320 alleles (0.000064%); highest among the groups gnomAD compares: Admixed American, 0.0018%; no homozygotes.

Submission:

Labcorp Genetics (formerly Invitae), Labcorp
Classification: Uncertain significance. Last evaluated: 2020-10-25. Review status: criteria provided, single submitter. Criteria: Invitae Variant Classification Sherloc (09022015). Collection method: clinical testing. Allele origin: germline.
Comment: This sequence change replaces isoleucine with valine at codon 6203 of the ADGRV1 protein (p.Ile6203Val). The isoleucine residue is moderately conserved and there is a small physicochemical difference between isoleucine and valine. In summary, the available evidence is currently insufficient to determine the role of this variant in disease. Therefore, it has been classified as a Variant of Uncertain Significance. Algorithms developed to predict the effect of missense changes on protein structure and function are either unavailable or do not agree on the potential impact of this missense change (SIFT: "Deleterious"; PolyPhen-2: "Benign"; Align-GVGD: "Class C0"). This variant has not been reported in the literature in individuals with ADGRV1-related conditions. This variant is not present in population databases (ExAC no frequency).

NM_032119.4(ADGRV1):c.18607A>G (p.Ile6203Val)

Gene: ADGRV1 (adhesion G protein-coupled receptor V1; plus strand). Cytogenetic location: 5q14.3.
Variant type: single nucleotide variant.
Coding change: c.18607A>G on transcript NM_032119.4 (MANE Select); coding-DNA position 18607, A replaced by G.
Protein change: p.Ile6203Val; replaces isoleucine 6203 with valine.
Molecular consequence: missense variant. On other transcripts: non-coding transcript variant (1).
Genome position (GRCh38, 1-based): chr5:91,150,204, A>G. VCF-style: chr5-91150204-A-G. GRCh37 (hg19) VCF-style: chr5-90446021-A-G.
Other names: short protein forms I6203V.
Identifiers: ClinVar variation 1058666 (VCV001058666.9), dbSNP rs1439889499, ClinGen allele CA360432375.